The following is an entry in ClinVar:

NM_004990.4(MARS1):c.2621C>G (p.Ala874Gly)

Gene: MARS1 (methionyl-tRNA synthetase 1; plus strand). Cytogenetic location: 12q13.3.
Variant type: single nucleotide variant.
Coding change: c.2621C>G on transcript NM_004990.4 (MANE Select); coding-DNA position 2621, C replaced by G.
Protein change: p.Ala874Gly; replaces alanine 874 with glycine.
Molecular consequence: missense variant.
Genome position (GRCh38, 1-based): chr12:57,516,499, C>G. VCF-style: chr12-57516499-C-G. GRCh37 (hg19) VCF-style: chr12-57910282-C-G.
Other names: short protein forms A874G.
Identifiers: ClinVar variation 2665039 (VCV002665039.5), dbSNP rs1384096624, ClinGen allele CA385468934.

ClinVar aggregate classification (germline): Uncertain significance. Review status: criteria provided, multiple submitters, no conflicts (2 of 4 stars). 2 submissions from 2 submitters: Uncertain significance (2). Last evaluated 2024-07-27.

Conditions:
Autosomal recessive spastic paraplegia type 70 (SPG70). Identifiers: Orphanet 401835, MedGen C4749431, MONDO:0018422, OMIM 620323.
Trichothiodystrophy 9, nonphotosensitive (TTD9). Identifiers: MedGen C5562058, MONDO:0030518, OMIM 619692.
Severe early-onset pulmonary alveolar proteinosis due to MARS deficiency. Also called: PULMONARY ALVEOLAR PROTEINOSIS, REUNION ISLAND; Interstitial lung and liver disease. Identifiers: Orphanet 440427, MedGen C4225400, MONDO:0014206, OMIM 615486.
Charcot-Marie-Tooth disease axonal type 2U. Also called: CHARCOT-MARIE-TOOTH NEUROPATHY, TYPE 2U; CHARCOT-MARIE-TOOTH DISEASE, AXONAL, AUTOSOMAL DOMINANT, TYPE 2U. Identifiers: Orphanet 397735, MedGen C4084821, MONDO:0014566, OMIM 616280.

Submissions (2):

Labcorp Genetics (formerly Invitae), Labcorp
Classification: Uncertain significance for Charcot-Marie-Tooth disease axonal type 2U; Severe early-onset pulmonary alveolar proteinosis due to MARS deficiency. Last evaluated: 2024-07-27. Review status: criteria provided, single submitter. Criteria: Invitae Variant Classification Sherloc (09022015). Collection method: clinical testing. Allele origin: germline.
Comment: This sequence change replaces alanine, which is neutral and non-polar, with glycine, which is neutral and non-polar, at codon 874 of the MARS protein (p.Ala874Gly). This variant is not present in population databases (gnomAD no frequency). This variant has not been reported in the literature in individuals affected with MARS-related conditions. ClinVar contains an entry for this variant (Variation ID: 2665039). An algorithm developed to predict the effect of missense changes on protein structure and function (PolyPhen-2) suggests that this variant is likely to be tolerated. Algorithms developed to predict the effect of sequence changes on RNA splicing suggest that this variant may create or strengthen a splice site. In summary, the available evidence is currently insufficient to determine the role of this variant in disease. Therefore, it has been classified as a Variant of Uncertain Significance.

New York Genome Center
Classification: Uncertain significance for Charcot-Marie-Tooth disease axonal type 2U. Last evaluated: 2023-06-10. Review status: criteria provided, single submitter. Criteria: NYGC Assertion Criteria 2020. Collection method: clinical testing. Allele origin: germline. Observed: 1 heterozygote.
Comment: The c.2621C>G variant in MARS1 has not previously been reported in the literature or public variant repositories (ClinVar and LOVD) and is absent from population databases (gnomAD v2.1.1 and v3.1.2, TOPMed Freeze 8), suggesting it is not a common benign variant in the populations represented in those databases. The c.2621C>G variant in MARS1 is located in exon 21 of this 21-exon gene, and predicted to replace a moderately conserved alanine amino acid with glycine at position 874 in the WHEP-TRS domain of the encoded protein (UniProt ID: P56192). In silico predictions are not in favor of damaging effect for the p.(Ala874Gly) variant [(CADD v1.6 = 17.64, REVEL = 0.054)]; however, there are no functional studies to support or refute these predictions. Based on available evidence this c.2621C>G, p.(Ala874Gly)) variant identified in MARS1 is classified as a Variant of Uncertain Significance.